The following is an entry in ClinVar:

ClinVar aggregate classification (germline): Uncertain significance (1 of 4 stars; one submission).

Conditions:
RP1-related disorder. Also called: RP1-related condition.

Submission:

PreventionGenetics, part of Exact Sciences
Classification: Uncertain significance for RP1-related condition. Last evaluated: 2025-12-28. Review status: criteria provided, single submitter. Criteria: ACMG Guidelines, 2015. Collection method: clinical testing. Allele origin: germline.
Comment: The RP1 c.1385C>A variant is predicted to result in the amino acid substitution p.Ser462Tyr. To our knowledge, this variant has not been reported in the literature or in a large population database (gnomAD), indicating this variant is rare. At this time, the clinical significance of this variant is uncertain due to the absence of conclusive functional and genetic evidence.

NM_006269.2(RP1):c.1385C>A (p.Ser462Tyr)

Gene: RP1 (RP1 axonemal microtubule associated; plus strand). Cytogenetic location: 8q12.1.
Variant type: single nucleotide variant.
Coding change: c.1385C>A on transcript NM_006269.2 (MANE Select); coding-DNA position 1385, C replaced by A.
Protein change: p.Ser462Tyr; replaces serine 462 with tyrosine.
Molecular consequence: missense variant. On other transcripts: intron variant (1).
Genome position (GRCh38, 1-based): chr8:54,625,267, C>A. VCF-style: chr8-54625267-C-A. GRCh37 (hg19) VCF-style: chr8-55537827-C-A.
Other names: c.787+2979C>A (NM_001375654.1); short protein forms S462Y.
Identifiers: ClinVar variation 4988847 (VCV004988847.1).